The following is an entry in ClinVar:

NM_005502.4(ABCA1):c.2731G>A (p.Gly911Arg)

Gene: ABCA1 (ATP binding cassette subfamily A member 1; minus strand). Cytogenetic location: 9q31.1.
Variant type: single nucleotide variant.
Coding change: c.2731G>A on transcript NM_005502.4 (MANE Select); coding-DNA position 2731, G replaced by A.
Protein change: p.Gly911Arg; replaces glycine 911 with arginine.
Molecular consequence: missense variant.
Genome position (GRCh38, 1-based): chr9:104,822,593, C>T on the plus strand (G>A on the coding strand, the complement: ABCA1 is on the minus strand). VCF-style: chr9-104822593-C-T. GRCh37 (hg19) VCF-style: chr9-107584874-C-T.
Other names: short protein forms G911R.
Identifiers: ClinVar variation 4613273 (VCV004613273.1).

ClinVar aggregate classification (germline): Uncertain significance (1 of 4 stars; one submission).

Conditions:
Cardiovascular phenotype. Identifiers: MedGen CN230736.

Submission:

Ambry Genetics
Classification: Uncertain significance for Cardiovascular phenotype. Last evaluated: 2025-09-21. Review status: criteria provided, single submitter. Criteria: Ambry Variant Classification Scheme 2023. Collection method: clinical testing. Allele origin: germline.
Comment: The p.G911R variant (also known as c.2731G>A), located in coding exon 18 of the ABCA1 gene, results from a G to A substitution at nucleotide position 2731. The glycine at codon 911 is replaced by arginine, an amino acid with dissimilar properties. This amino acid position is conserved. In addition, this alteration is predicted to be deleterious by in silico analysis. Based on the available evidence, the clinical significance of this variant remains unclear.